The following is an entry in ClinVar:

NM_018263.6(ASXL2):c.2044G>A (p.Ala682Thr)

Gene: ASXL2 (ASXL transcriptional regulator 2; minus strand). Cytogenetic location: 2p23.3.
Variant type: single nucleotide variant.
Coding change: c.2044G>A on transcript NM_018263.6 (MANE Select); coding-DNA position 2044, G replaced by A.
Protein change: p.Ala682Thr; replaces alanine 682 with threonine.
Molecular consequence: missense variant.
Genome position (GRCh38, 1-based): chr2:25,744,293, C>T on the plus strand (G>A on the coding strand, the complement: ASXL2 is on the minus strand). VCF-style: chr2-25744293-C-T. GRCh37 (hg19) VCF-style: chr2-25967162-C-T.
Other names: c.1870G>A, p.Ala624Thr (NM_001369346.1); c.1264G>A, p.Ala422Thr (NM_001369347.1); short protein forms A422T, A682T, A624T.
Identifiers: ClinVar variation 2591012 (VCV002591012.3), dbSNP rs986161980, ClinGen allele CA43734753.
Genomic context (GRCh38, chr2:25,744,293, plus strand): 5'-CTGGACCTTGTCCACCCCCTGGGCCAGGTCCTGGAATGGTCCCTCCAACTGAGGCGGCTG[C>T]AGCAGCTGCGGCGGCAGCGGCAGCTGCTGCCCTCTGTGCTTTGACCAGTTGGGCTTTTGC-3'
Protein context (NP_060733.4, residues 672-692): AAAAAAAAAA[Ala682Thr]AASVGGTIPG

ClinVar aggregate classification (germline): Uncertain significance. Review status: criteria provided, multiple submitters, no conflicts (2 of 4 stars). 2 submissions from 2 submitters: Uncertain significance (2). Last evaluated 2026-01-06.

Conditions:
Inborn genetic diseases. Identifiers: MedGen C0950123, MeSH D030342.

Allele frequency attached by ClinVar (database versions not stated): TOPMed below 0.00001; gnomAD 0.00001; gnomAD exomes 0.00001.
gnomAD v4.1: 11 of 1,611,272 alleles (0.00068%); highest among the groups gnomAD compares: Middle Eastern, 0.066%; no homozygotes.

Submissions (2):

Labcorp Genetics (formerly Invitae), Labcorp
Classification: Uncertain significance. Last evaluated: 2026-01-06. Review status: criteria provided, single submitter. Criteria: Invitae Variant Classification Sherloc (09022015). Collection method: clinical testing. Allele origin: germline.
Comment: This sequence change replaces alanine, which is neutral and non-polar, with threonine, which is neutral and polar, at codon 682 of the ASXL2 protein (p.Ala682Thr). This variant is present in population databases (no rsID available, gnomAD 0.003%). This variant has not been reported in the literature in individuals affected with ASXL2-related conditions. ClinVar contains an entry for this variant (Variation ID: 2591012). Invitae Evidence Modeling of protein sequence and biophysical properties (such as structural, functional, and spatial information, amino acid conservation, physicochemical variation, residue mobility, and thermodynamic stability) indicates that this missense variant is not expected to disrupt ASXL2 protein function with a negative predictive value of 80%. In summary, the available evidence is currently insufficient to determine the role of this variant in disease. Therefore, it has been classified as a Variant of Uncertain Significance.

Ambry Genetics
Classification: Uncertain significance for Inborn genetic diseases. Last evaluated: 2023-08-08. Review status: criteria provided, single submitter. Criteria: Ambry Variant Classification Scheme 2023. Collection method: clinical testing. Allele origin: germline.